The following is an entry in ClinVar:

NM_001330078.2(NRXN1):c.1158+21G>C

Gene: NRXN1 (neurexin 1; minus strand). Cytogenetic location: 2p16.3.
Variant type: single nucleotide variant.
Coding change: c.1158+21G>C on transcript NM_001330078.2 (MANE Select); 21 bases into the intron after coding-DNA position 1158, G replaced by C.
Molecular consequence: intron variant. On other transcripts: synonymous variant (3).
Genome position (GRCh38, 1-based): chr2:50,621,205, C>G on the plus strand (G>C on the coding strand, the complement: NRXN1 is on the minus strand). VCF-style: chr2-50621205-C-G. GRCh37 (hg19) VCF-style: chr2-50848343-C-G.
Other names: c.1278G>C, p.Ser426= (NM_001135659.3); c.1119G>C, p.Ser373= (NM_001330083.2, NM_001330084.2); c.1075-1022G>C (NM_001330096.2, NM_001330087.2); c.1105-1022G>C (NM_001330088.2); c.1155+21G>C (NM_001330093.2); c.1146+21G>C (NM_001330094.2); c.1135-1022G>C (NM_001330095.2, NM_001330082.2, NM_001330077.2); c.1158+21G>C (NM_001330085.2, NM_004801.6, NM_001330086.2).
Identifiers: ClinVar variation 1986985 (VCV001986985.4), dbSNP rs372550441, ClinGen allele CA426104286.

ClinVar aggregate classification (germline): Uncertain significance (1 of 4 stars; one submission).

Conditions:
Pitt-Hopkins-like syndrome 2 (PTHSL2). Identifiers: Orphanet 221150, Orphanet 600663, MedGen C3280479, MONDO:0013690, OMIM 614325.

gnomAD v4.1: 2 of 1,559,576 alleles (0.00013%); highest among the groups gnomAD compares: Non-Finnish European, 0.00017%; no homozygotes.

Submission:

Labcorp Genetics (formerly Invitae), Labcorp
Classification: Uncertain significance for Pitt-Hopkins-like syndrome 2. Last evaluated: 2022-12-21. Review status: criteria provided, single submitter. Criteria: Invitae Variant Classification Sherloc (09022015). Collection method: clinical testing. Allele origin: germline.
Comment: This variant has not been reported in the literature in individuals affected with NRXN1-related conditions. In summary, the available evidence is currently insufficient to determine the role of this variant in disease. Therefore, it has been classified as a Variant of Uncertain Significance. Variants that disrupt the consensus splice site are a relatively common cause of aberrant splicing (PMID: 17576681, 9536098). Algorithms developed to predict the effect of sequence changes on RNA splicing suggest that this variant is not likely to affect RNA splicing. This variant is not present in population databases (gnomAD no frequency). This sequence change affects codon 426 of the NRXN1 mRNA. It is a 'silent' change, meaning that it does not change the encoded amino acid sequence of the NRXN1 protein. This variant also falls at the last nucleotide of exon 8, which is part of the consensus splice site for this exon.

Literature cited by the submitters: PubMed 17576681; PubMed 9536098.